The following is an entry in ClinVar:

NC_000007.14:g.156789796C>T

Genes: LMBR1 (limb development membrane protein 1; minus strand), SHH (sonic hedgehog signaling molecule; minus strand). Cytogenetic location: 7q36.3.
Variant type: single nucleotide variant.
Molecular consequence: intron variant (on NM_022458.4).
Genome position: GRCh38 VCF-style: chr7-156789796-C-T. GRCh37 (hg19) VCF-style: chr7-156582490-C-T.
Other names: c.360+6593G>A (NM_001363412.2); c.144+6593G>A (NM_001350954.2); c.423+6593G>A (NM_001363410.2, NM_022458.4, NM_001363409.2 and 1 more transcripts); c.-112+6593G>A (NM_001350958.2, NM_001350956.2, NM_001350955.2 and 1 more transcripts); c.54+6593G>A (NM_001350957.2, NM_001363411.2).
Identifiers: ClinVar variation 2880093 (VCV002880093.3), dbSNP rs774187797, ClinGen allele CA169823303.

ClinVar aggregate classification (germline): Uncertain significance (1 of 4 stars; one submission).

Conditions:
Holoprosencephaly 3 (HPE3). Identifiers: Orphanet 2162, MedGen C1840529, MONDO:0007733, OMIM 142945.

Allele frequency attached by ClinVar (database versions not stated): TOPMed 0.00001.

Submission:

Labcorp Genetics (formerly Invitae), Labcorp
Classification: Uncertain significance for Holoprosencephaly 3. Last evaluated: 2024-02-03. Review status: criteria provided, single submitter. Criteria: Invitae Variant Classification Sherloc (09022015). Collection method: clinical testing. Allele origin: germline.
Comment: This variant occurs in a non-coding region of the SHH gene. It does not change the encoded amino acid sequence of the SHH protein. This variant is not present in population databases (gnomAD no frequency). This variant has not been reported in the literature in individuals affected with SHH-related conditions. Experimental studies and prediction algorithms are not available or were not evaluated, and the functional significance of this variant is currently unknown. In summary, the available evidence is currently insufficient to determine the role of this variant in disease. Therefore, it has been classified as a Variant of Uncertain Significance.